The following is an entry in ClinVar:

ClinVar aggregate classification (germline): Uncertain significance (1 of 4 stars; one submission).

Conditions:
Catecholaminergic polymorphic ventricular tachycardia 1. Also called: RYR2-Related Catecholaminergic Polymorphic Ventricular Tachycardia; VENTRICULAR TACHYCARDIA, CATECHOLAMINERGIC POLYMORPHIC, 1, WITH OR WITHOUT ATRIAL DYSFUNCTION AND/OR DILATED CARDIOMYOPATHY; VENTRICULAR TACHYCARDIA, STRESS-INDUCED POLYMORPHIC 1. Identifiers: Orphanet 3286, MedGen C1631597, MONDO:0011484, OMIM 604772.

Submission:

Labcorp Genetics (formerly Invitae), Labcorp
Classification: Uncertain significance for Catecholaminergic polymorphic ventricular tachycardia 1. Last evaluated: 2023-01-08. Review status: criteria provided, single submitter. Criteria: Invitae Variant Classification Sherloc (09022015). Collection method: clinical testing. Allele origin: unknown.
Comment: In summary, the available evidence is currently insufficient to determine the role of this variant in disease. Therefore, it has been classified as a Variant of Uncertain Significance. Experimental studies and prediction algorithms are not available or were not evaluated, and the functional significance of this variant is currently unknown. This variant has not been reported in the literature in individuals affected with RYR2-related conditions. This variant is a gross deletion of the genomic region encompassing exon(s) 3-23 of the RYR2 gene. This variant would be expected to be in-frame, preserving the integrity of the reading frame.

NC_000001.10:g.(?_237494158)_(237670134_?)del

Gene: RYR2 (ryanodine receptor 2; plus strand). Cytogenetic location: 1q43.
Variant type: Deletion.
Identifiers: ClinVar variation 3247729 (VCV003247729.1).